The following is an entry in ClinVar:

ClinVar aggregate classification (germline): Uncertain significance (1 of 4 stars; one submission).

Allele frequency attached by ClinVar (database versions not stated): ExAC 0.00009; gnomAD 0.00009; TOPMed 0.00013; ESP Exome Variant Server 0.00015; 1000 Genomes Project 30x 0.00016; 1000 Genomes Project 0.00020.
gnomAD v4.1: 122 of 1,613,866 alleles (0.0076%); highest among the groups gnomAD compares: Middle Eastern, 0.016%; no homozygotes.

Submission:

Labcorp Genetics (formerly Invitae), Labcorp
Classification: Uncertain significance. Last evaluated: 2025-01-08. Review status: criteria provided, single submitter. Criteria: Invitae Variant Classification Sherloc (09022015). Collection method: clinical testing. Allele origin: germline.
Comment: This sequence change replaces arginine, which is basic and polar, with cysteine, which is neutral and slightly polar, at codon 152 of the DDRGK1 protein (p.Arg152Cys). This variant is present in population databases (rs376165090, gnomAD 0.2%). This variant has not been reported in the literature in individuals affected with DDRGK1-related conditions. ClinVar contains an entry for this variant (Variation ID: 2141479). An algorithm developed to predict the effect of missense changes on protein structure and function (PolyPhen-2) suggests that this variant is likely to be disruptive. In summary, the available evidence is currently insufficient to determine the role of this variant in disease. Therefore, it has been classified as a Variant of Uncertain Significance.

NM_023935.3(DDRGK1):c.454C>T (p.Arg152Cys)

Gene: DDRGK1 (DDRGK domain containing 1; minus strand). Cytogenetic location: 20p13.
Variant type: single nucleotide variant.
Coding change: c.454C>T on transcript NM_023935.3 (MANE Select); coding-DNA position 454, C replaced by T.
Protein change: p.Arg152Cys; replaces arginine 152 with cysteine.
Molecular consequence: missense variant.
Genome position (GRCh38, 1-based): chr20:3,200,057, G>A on the plus strand (C>T on the coding strand, the complement: DDRGK1 is on the minus strand). VCF-style: chr20-3200057-G-A. GRCh37 (hg19) VCF-style: chr20-3180703-G-A.
Other names: short protein forms R152C.
Identifiers: ClinVar variation 2141479 (VCV002141479.2), dbSNP rs376165090, ClinGen allele CA9740928.